The following is an entry in ClinVar:

ClinVar aggregate classification (germline): Likely benign (1 of 4 stars; one submission).

Allele frequency attached by ClinVar (database versions not stated): gnomAD 0.00003; ExAC 0.00006; ESP Exome Variant Server 0.00008.

Submission:

CeGaT Center for Human Genetics Tuebingen
Classification: Likely benign. Last evaluated: 2023-02-01. Review status: criteria provided, single submitter. Criteria: CeGaT Center For Human Genetics Tuebingen Variant Classification Criteria Version 2. Collection method: clinical testing. Allele origin: germline. Affected: yes. Observed: 1 variant allele.
Comment: UBXN1: BP4, BP7

NM_001286077.2(UBXN1):c.177C>T (p.Ile59=)

Gene: UBXN1 (UBX domain protein 1; minus strand). Cytogenetic location: 11q12.3.
Variant type: single nucleotide variant.
Coding change: c.177C>T on transcript NM_001286077.2 (MANE Select); coding-DNA position 177, C replaced by T.
Protein change: p.Ile59=; no amino-acid change (isoleucine 59 retained).
Molecular consequence: synonymous variant. On other transcripts: intron variant (1).
Genome position (GRCh38, 1-based): chr11:62,678,538, G>A on the plus strand (C>T on the coding strand, the complement: UBXN1 is on the minus strand). VCF-style: chr11-62678538-G-A. GRCh37 (hg19) VCF-style: chr11-62446010-G-A.
Other names: c.177C>T, p.Ile59= (NM_015853.5); c.113+152C>T (NM_001286078.2).
Identifiers: ClinVar variation 2641891 (VCV002641891.24), dbSNP rs145840266, ClinGen allele CA6052940.